The following is an entry in ClinVar:

NM_001363711.2(DUOX2):c.2358C>T (p.Asp786=)

Gene: DUOX2 (dual oxidase 2; minus strand). Cytogenetic location: 15q21.1.
Variant type: single nucleotide variant.
Coding change: c.2358C>T on transcript NM_001363711.2 (MANE Select); coding-DNA position 2358, C replaced by T.
Protein change: p.Asp786=; no amino-acid change (aspartic acid 786 retained).
Molecular consequence: synonymous variant.
Genome position (GRCh38, 1-based): chr15:45,104,342, G>A on the plus strand (C>T on the coding strand, the complement: DUOX2 is on the minus strand). VCF-style: chr15-45104342-G-A. GRCh37 (hg19) VCF-style: chr15-45396540-G-A.
Other names: c.2358C>T, p.Asp786= (NM_014080.5).
Identifiers: ClinVar variation 3002648 (VCV003002648.4), dbSNP rs140319655, ClinGen allele CA7538270.
Genomic context (GRCh38, chr15:45,104,342, plus strand): 5'-CAGCTCGCAGGTCAGGGCCTCCCGCACCTTCTGGGAGGAGTCCAGGGGCAGGGTCCCTGC[G>A]TCGGCCTGGTTGATGTCCAGCACCTGCACTCGGGCAGCAGCAGAGGGAGGGAAAGAGAAG-3'
Protein context (NP_001350640.1, residues 776-796): FAQVLDINQA[Asp786=]AGTLPLDSSQ

ClinVar aggregate classification (germline): Likely benign. Review status: criteria provided, multiple submitters, no conflicts (2 of 4 stars). 2 submissions from 2 submitters: Likely benign (2). Last evaluated 2026-10-01.

Allele frequency attached by ClinVar (database versions not stated): ExAC 0.00004; 1000 Genomes Project 30x 0.00016; 1000 Genomes Project 0.00020.
gnomAD v4.1: 67 of 1,613,824 alleles (0.0042%); highest among the groups gnomAD compares: East Asian, 0.013%; no homozygotes.

Submissions (2):

CeGaT Center for Human Genetics Tuebingen
Classification: Likely benign. Last evaluated: 2026-10-01. Review status: criteria provided, single submitter. Criteria: CeGaT Center For Human Genetics Tuebingen Variant Classification Criteria Version 2. Collection method: clinical testing. Allele origin: germline. Affected: yes. Observed: 1 variant allele.
Comment: DUOX2: BP4, BP7

Labcorp Genetics (formerly Invitae), Labcorp
Classification: Likely benign. Last evaluated: 2025-12-16. Review status: criteria provided, single submitter. Criteria: Invitae Variant Classification Sherloc (09022015). Collection method: clinical testing. Allele origin: germline.